The following is an entry in ClinVar:

ClinVar aggregate classification (germline): Uncertain significance (1 of 4 stars; one submission).

Conditions:
Dilated cardiomyopathy 1DD (CMD1DD). Identifiers: Orphanet 154, MedGen C2750995, MONDO:0013168, OMIM 613172.

Submission:

Labcorp Genetics (formerly Invitae), Labcorp
Classification: Uncertain significance for Dilated cardiomyopathy 1DD. Last evaluated: 2020-01-14. Review status: criteria provided, single submitter. Criteria: Invitae Variant Classification Sherloc (09022015). Collection method: clinical testing. Allele origin: germline.
Comment: This variant has not been reported in the literature in individuals with RBM20-related conditions. This variant is not present in population databases (ExAC no frequency). This sequence change replaces arginine with serine at codon 617 of the RBM20 protein (p.Arg617Ser). The arginine residue is highly conserved and there is a moderate physicochemical difference between arginine and serine. In summary, the available evidence is currently insufficient to determine the role of this variant in disease. Therefore, it has been classified as a Variant of Uncertain Significance. Algorithms developed to predict the effect of missense changes on protein structure and function (SIFT, PolyPhen-2, Align-GVGD) all suggest that this variant is likely to be disruptive, but these predictions have not been confirmed by published functional studies and their clinical significance is uncertain.

NM_001134363.3(RBM20):c.1851G>C (p.Arg617Ser)

Gene: RBM20 (RNA binding motif protein 20; plus strand). Cytogenetic location: 10q25.2.
Variant type: single nucleotide variant.
Coding change: c.1851G>C on transcript NM_001134363.3 (MANE Select); coding-DNA position 1851, G replaced by C.
Protein change: p.Arg617Ser; replaces arginine 617 with serine.
Molecular consequence: missense variant.
Genome position (GRCh38, 1-based): chr10:110,810,433, G>C. VCF-style: chr10-110810433-G-C. GRCh37 (hg19) VCF-style: chr10-112570191-G-C.
Other names: short protein forms R617S.
Identifiers: ClinVar variation 1003020 (VCV001003020.9), dbSNP rs1844749960, ClinGen allele CA378369194.
Genomic context (GRCh38, chr10:110,810,433, plus strand): 5'-ACTTTGCTAGAAACCCGGGAAGGCCGTGGCTGCCATCATCCAGGACATCCATTCCCAGAG[G>C]GAGAGGGACATGTTCCGGGAAGCAGACAGGTGAGGCCCCAAGCCCCAAGTCTCCAGGCAG-3'
Protein context (NP_001127835.2, residues 607-627): AAIIQDIHSQ[Arg617Ser]ERDMFREADR